The following is an entry in ClinVar:

ClinVar aggregate classification (germline): Uncertain significance (1 of 4 stars; one submission).

gnomAD v4.1: 1 of 1,614,106 alleles (0.000062%); highest among the groups gnomAD compares: Non-Finnish European, 0.000085%; no homozygotes.

Submission:

Labcorp Genetics (formerly Invitae), Labcorp
Classification: Uncertain significance. Last evaluated: 2021-12-08. Review status: criteria provided, single submitter. Criteria: Invitae Variant Classification Sherloc (09022015). Collection method: clinical testing. Allele origin: germline.
Comment: In summary, the available evidence is currently insufficient to determine the role of this variant in disease. Therefore, it has been classified as a Variant of Uncertain Significance. Algorithms developed to predict the effect of missense changes on protein structure and function (SIFT, PolyPhen-2, Align-GVGD) all suggest that this variant is likely to be disruptive. This variant has not been reported in the literature in individuals affected with DHX38-related conditions. This variant is not present in population databases (gnomAD no frequency). This sequence change replaces aspartic acid, which is acidic and polar, with tyrosine, which is neutral and polar, at codon 1007 of the DHX38 protein (p.Asp1007Tyr).

NM_014003.4(DHX38):c.3019G>T (p.Asp1007Tyr)

Genes: DHX38 (DEAH-box helicase 38; plus strand), LOC126862391 (CDK7 strongly-dependent group 2 enhancer GRCh37_chr16:72141414-72142613; plus strand). Cytogenetic location: 16q22.2.
Variant type: single nucleotide variant.
Coding change: c.3019G>T on transcript NM_014003.4 (MANE Select); coding-DNA position 3019, G replaced by T.
Protein change: p.Asp1007Tyr; replaces aspartic acid 1007 with tyrosine.
Molecular consequence: missense variant.
Genome position (GRCh38, 1-based): chr16:72,108,281, G>T. VCF-style: chr16-72108281-G-T. GRCh37 (hg19) VCF-style: chr16-72142180-G-T.
Other names: short protein forms D1007Y.
Identifiers: ClinVar variation 1472315 (VCV001472315.6), dbSNP rs2042209405, ClinGen allele CA396715692.
Genomic context (GRCh38, chr16:72,108,281, plus strand): 5'-TCCTAGGGTCGAGAGGAGGAGAGTGATCAAATCCGGGAGAAGTTCGCTGTTCCTGAGAGC[G>T]ATCATTTGACCTACCTGAATGTTTACCTGCAGTGGAAGAACAATAATTACTCCACCATCT-3'
Protein context (NP_054722.2, residues 997-1017): IREKFAVPES[Asp1007Tyr]HLTYLNVYLQ